The following is an entry in ClinVar:

ClinVar aggregate classification (germline): Uncertain significance (1 of 4 stars; one submission).

Conditions:
Hereditary cancer-predisposing syndrome. Also called: Neoplastic Syndromes, Hereditary; Tumor predisposition; Hereditary Cancer Syndrome; Hereditary neoplastic syndrome. Identifiers: Orphanet 140162, MedGen C0027672, MeSH D009386, MONDO:0015356.

Submission:

Ambry Genetics
Classification: Uncertain significance for Hereditary cancer-predisposing syndrome. Last evaluated: 2026-03-06. Review status: criteria provided, single submitter. Criteria: Ambry Variant Classification Scheme 2023. Collection method: clinical testing. Allele origin: germline.
Comment: The p.T539A variant (also known as c.1615A>G), located in coding exon 9 of the BRCA1 gene, results from an A to G substitution at nucleotide position 1615. The threonine at codon 539 is replaced by alanine, an amino acid with similar properties. This amino acid position is poorly conserved in available vertebrate species. In addition, the in silico prediction for this alteration is inconclusive. Based on the available evidence, the clinical significance of this variant remains unclear.

NM_007294.4(BRCA1):c.1615A>G (p.Thr539Ala)

Gene: BRCA1 (BRCA1 DNA repair associated; minus strand). Cytogenetic location: 17q21.31.
Variant type: single nucleotide variant.
Coding change: c.1615A>G on transcript NM_007294.4 (MANE Select); coding-DNA position 1615, A replaced by G.
Protein change: p.Thr539Ala; replaces threonine 539 with alanine.
Molecular consequence: missense variant. On other transcripts: intron variant (137).
Genome position (GRCh38, 1-based): chr17:43,093,916, T>C on the plus strand (A>G on the coding strand, the complement: BRCA1 is on the minus strand). VCF-style: chr17-43093916-T-C. GRCh37 (hg19) VCF-style: chr17-41245933-T-C.
Other names: c.1405A>G, p.Thr469Ala (NM_001407907.1, NM_001407908.1, NM_001407909.1 and 13 more transcripts); c.1402A>G, p.Thr468Ala (NM_001407915.1, NM_001407916.1, NM_001407917.1 and 9 more transcripts); c.1492A>G, p.Thr498Ala (NM_001407919.1, NM_001407937.1, NM_001407938.1 and 19 more transcripts); c.670+1930A>G (NM_001408422.1, NM_001408418.1, NM_001408423.1 and 2 more transcripts); c.706+828A>G (NM_001408416.1, NM_001408413.1); c.577+828A>G (NM_001408484.1, NM_001408478.1, NM_001408483.1 and 9 more transcripts); c.661+828A>G (NM_001408450.1, NM_001408434.1, NM_001408447.1 and 6 more transcripts); c.784+828A>G (NM_001408398.1, NM_001407992.1, NM_001408392.1 and 13 more transcripts); and 40 more; short protein forms T451A, T469A, T498A, T411A, T428A, T450A, T472A, T513A.
Identifiers: ClinVar variation 4826632 (VCV004826632.1).